The following is an entry in ClinVar:

NM_006030.4(CACNA2D2):c.3424C>G (p.Arg1142Gly)

Genes: CACNA2D2 (calcium voltage-gated channel auxiliary subunit alpha2delta 2; minus strand), LOC127898564 (CYB561D2-LOC101928965; plus strand). Cytogenetic location: 3p21.31.
Variant type: single nucleotide variant.
Coding change: c.3424C>G on transcript NM_006030.4 (MANE Select); coding-DNA position 3424, C replaced by G.
Protein change: p.Arg1142Gly; replaces arginine 1142 with glycine.
Molecular consequence: missense variant.
Genome position (GRCh38, 1-based): chr3:50,364,674, G>C on the plus strand (C>G on the coding strand, the complement: CACNA2D2 is on the minus strand). VCF-style: chr3-50364674-G-C. GRCh37 (hg19) VCF-style: chr3-50402105-G-C.
Other names: c.3430C>G, p.Arg1144Gly (NM_001005505.3); c.3445C>G, p.Arg1149Gly (NM_001174051.3); c.3223C>G, p.Arg1075Gly (NM_001291101.1); c.3427C>G, p.Arg1143Gly (NM_001410768.1); short protein forms R1075G, R1142G, R1149G, R1143G, R1144G.
Identifiers: ClinVar variation 2133925 (VCV002133925.4), dbSNP rs376300457, ClinGen allele CA352960844.

ClinVar aggregate classification (germline): Uncertain significance (1 of 4 stars; one submission).

Conditions:
Early-infantile DEE. Also called: Early infantile epileptic encephalopathy; Ohtahara syndrome; Early infantile epileptic encephalopathy with suppression bursts. Identifiers: Orphanet 1934, MedGen C0393706, MONDO:0800491.

gnomAD v4.1: 1 of 1,529,404 alleles (0.000065%); highest among the groups gnomAD compares: Non-Finnish European, 0.000088%; no homozygotes.

Submission:

Labcorp Genetics (formerly Invitae), Labcorp
Classification: Uncertain significance for Early-infantile DEE. Last evaluated: 2022-05-13. Review status: criteria provided, single submitter. Criteria: Invitae Variant Classification Sherloc (09022015). Collection method: clinical testing. Allele origin: germline.
Comment: This variant has not been reported in the literature in individuals affected with CACNA2D2-related conditions. This variant is not present in population databases (gnomAD no frequency). This sequence change replaces arginine, which is basic and polar, with glycine, which is neutral and non-polar, at codon 1142 of the CACNA2D2 protein (p.Arg1142Gly). In summary, the available evidence is currently insufficient to determine the role of this variant in disease. Therefore, it has been classified as a Variant of Uncertain Significance. Algorithms developed to predict the effect of missense changes on protein structure and function (SIFT, PolyPhen-2, Align-GVGD) all suggest that this variant is likely to be tolerated.